The following is an entry in ClinVar:

NM_007254.4(PNKP):c.1296_1298+13del

Gene: PNKP (polynucleotide kinase 3'-phosphatase; minus strand). Cytogenetic location: 19q13.33.
Variant type: Deletion.
Coding change: c.1296_1298+13del on transcript NM_007254.4 (MANE Select); coding-DNA position 1296 through 13 bases into the intron after coding-DNA position 1298, 16 bases deleted (CAGGTAGCGTGACCGC).
Molecular consequence: splice donor variant.
Genome position (GRCh38, 1-based): chr19:49,861,759-49,861,774, GCGGTCACGCTACCTG deleted on the plus strand (CAGGTAGCGTGACCGC on the coding strand, the reverse complement: PNKP is on the minus strand); deleting any 16 consecutive bases within chr19:49,861,759-49,861,777 gives the same sequence; the c. name uses the placement nearest the transcript's 3' end. VCF-style (leftmost placement, unchanged base first): chr19-49861758-CGCGGTCACGCTACCTG-C. GRCh37 (hg19) VCF-style: chr19-50365015-CGCGGTCACGCTACCTG-C.
Identifiers: ClinVar variation 2998497 (VCV002998497.3), dbSNP rs2074766866, ClinGen allele CA2340622308.

ClinVar aggregate classification (germline): Likely pathogenic (1 of 4 stars; one submission).

Conditions:
Developmental and epileptic encephalopathy, 12 (DEE12). Identifiers: MedGen C3150988, MONDO:0013389, OMIM 613722.

Submission:

Labcorp Genetics (formerly Invitae), Labcorp
Classification: Likely pathogenic for Developmental and epileptic encephalopathy, 12. Last evaluated: 2024-10-24. Review status: criteria provided, single submitter. Criteria: Invitae Variant Classification Sherloc (09022015). Collection method: clinical testing. Allele origin: germline.
Comment: This variant results in the deletion of part of exon 14 (c.1296_1298+13de) of the PNKP gene. It is expected to disrupt RNA splicing. Variants that disrupt the donor or acceptor splice site typically lead to a loss of protein function (PMID: 16199547), and loss-of-function variants in PNKP are known to be pathogenic (PMID: 20118933, 25728773). This variant is not present in population databases (gnomAD no frequency). This variant has not been reported in the literature in individuals affected with PNKP-related conditions. In summary, the currently available evidence indicates that the variant is pathogenic, but additional data are needed to prove that conclusively. Therefore, this variant has been classified as Likely Pathogenic.

Literature cited by the submitters: PubMed 16199547; PubMed 20118933; PubMed 25728773.